The following is an entry in ClinVar:

NM_000155.4(GALT):c.400del (p.Trp134fs)

Gene: GALT (galactose-1-phosphate uridylyltransferase; plus strand). Cytogenetic location: 9p13.3.
Variant type: Deletion.
Coding change: c.400del on transcript NM_000155.4 (MANE Select); coding-DNA position 400, one base deleted (T; older notation c.400delT).
Protein change: p.Trp134fs; shifts the reading frame from tryptophan 134.
Molecular consequence: frameshift variant.
Genome position (GRCh38, 1-based): chr9:34,647,854, T deleted. VCF-style (leftmost placement, unchanged base first): chr9-34647853-CT-C. GRCh37 (hg19) VCF-style: chr9-34647850-CT-C.
Other names: c.73delT (NM_001258332.1); c.73del, p.Trp25fs (NM_001258332.2); c.400delT (NM_000155.3); short protein forms W25fs.
Identifiers: ClinVar variation 25171 (VCV000025171.22), dbSNP rs111033689, ClinGen allele CA259384.

ClinVar aggregate classification (germline): Pathogenic. Review status: criteria provided, multiple submitters, no conflicts (2 of 4 stars). 4 submissions from 4 submitters: Pathogenic (4). Last evaluated 2025-12-06.

Conditions:
Galactosemia. Also called: Galactose intolerance. Identifiers: Orphanet 352, MedGen C0016952, MONDO:0018116, HP:0004919. Disease mechanism: loss of function.
Deficiency of UDPglucose-hexose-1-phosphate uridylyltransferase. Also called: GALACTOSE-1-PHOSPHATE URIDYLYLTRANSFERASE DEFICIENCY; GALT deficiency; Galactosemia, classic; Transferase Deficiency Galactosemia; GALACTOSEMIA I. Identifiers: Orphanet 352, Orphanet 79239, MedGen C0268151, MONDO:0009258, OMIM 230400.

Allele frequency attached by ClinVar (database versions not stated): gnomAD exomes 0.00001 and below 0.00001; ExAC 0.00001.

Submissions (4):

Natera, Inc.
Classification: Pathogenic for Galactosemia. Last evaluated: 2025-12-06. Review status: criteria provided, single submitter. Criteria: Natera Variant Classification Schema (03/2026). Collection method: clinical testing. Allele origin: germline.
Comment: The c.400delT variant in GALT is a frameshift variant predicted to shift the reading frame beginning at codon 134 and leads to a stop codon 4 codons downstream. This variant is expected to result in nonsense mediated decay, truncation, or a dysfunctional protein product. This variant is rare in the general population with a frequency below the threshold expected for the associated phenotype(s). This variant has been observed in one or more individuals affected with the associated recessive disease, as either homozygous or compound heterozygous with a second variant (PMID: 25592817). Given the available evidence, this variant is classified as Pathogenic.

Labcorp Genetics (formerly Invitae), Labcorp
Classification: Pathogenic for Deficiency of UDPglucose-hexose-1-phosphate uridylyltransferase. Last evaluated: 2024-02-01. Review status: criteria provided, single submitter. Criteria: Invitae Variant Classification Sherloc (09022015). Collection method: clinical testing. Allele origin: germline.
Comment: This sequence change creates a premature translational stop signal (p.Trp134Glyfs*4) in the GALT gene. It is expected to result in an absent or disrupted protein product. Loss-of-function variants in GALT are known to be pathogenic (PMID: 22944367). This variant is not present in population databases (gnomAD no frequency). This premature translational stop signal has been observed in individual(s) with galactosemia (PMID: 25592817). ClinVar contains an entry for this variant (Variation ID: 25171). For these reasons, this variant has been classified as Pathogenic.

Baylor Genetics
Classification: Pathogenic for Deficiency of UDPglucose-hexose-1-phosphate uridylyltransferase. Last evaluated: 2023-11-08. Review status: criteria provided, single submitter. Criteria: ACMG Guidelines, 2015. Collection method: clinical testing. Allele origin: unknown.

ARUP Laboratories, Molecular Genetics and Genomics, ARUP Laboratories
Classification: Pathogenic. Last evaluated: 2017-10-11. Review status: criteria provided, single submitter. Criteria: ARUP Molecular Germline Variant Investigation Process. Collection method: clinical testing. Allele origin: germline.
Comment: The GALT c.400delT;p.Trp134fs variant is reported in the medical literature in several individuals, including individuals with classic galactosemia (Bosch 2005, Tyfield 1999, Viggiano 2015). The variant is listed in the ClinVar database (Variation ID: 25171) and in the dbSNP variant database (rs111033689) but not described in the general population-based databases (Exome Variant Server, Genome Aggregation Database). This variant deletes one nucleotide, creating a frameshift, and is predicted to result in a truncated protein or mRNA subject to non-sense mediated decay. Considering available information, this variant is classified as pathogenic. References: Bosch AM et al. Identification of novel mutations in classical galactosemia. Hum Mutat. 2005 May;25(5):502. Tyfield L et al. Classical galactosemia and mutations at the galactose-1-phosphate uridyl transferase (GALT) gene. Hum Mutat. 1999;13(6):417-30. Viggiano E et al. Clinical and molecular spectra in galactosemic patients from neonatal screening in northeastern Italy: structural and functional characterization of new variations in the galactose-1-phosphate uridyltransferase (GALT) gene. Gene. 2015 Apr 1;559(2):112-8.

Literature cited by the submitters: PubMed 25592817 (cited by Natera, Inc. and Labcorp Genetics (formerly Invitae), Labcorp); PubMed 22944367 (cited by Labcorp Genetics (formerly Invitae), Labcorp).